The following is an entry in ClinVar:

NM_013276.4(SHPK):c.297G>C (p.Trp99Cys)

Gene: SHPK (sedoheptulokinase; minus strand). Cytogenetic location: 17p13.2.
Variant type: single nucleotide variant.
Coding change: c.297G>C on transcript NM_013276.4 (MANE Select); coding-DNA position 297, G replaced by C.
Protein change: p.Trp99Cys; replaces tryptophan 99 with cysteine.
Molecular consequence: missense variant.
Genome position (GRCh38, 1-based): chr17:3,630,218, C>G on the plus strand (G>C on the coding strand, the complement: SHPK is on the minus strand). VCF-style: chr17-3630218-C-G. GRCh37 (hg19) VCF-style: chr17-3533512-C-G.
Other names: short protein forms W99C.
Identifiers: ClinVar variation 3671849 (VCV003671849.2).
Genomic context (GRCh38, chr17:3,630,218, plus strand): 5'-TGGAAGTGACTGCTACCAGCCTGAGAGCATCCCCGAGCCCAGCATACCTTGGCCTGTTTT[C>G]CAAAACACGACTCCATGCATCTGGCCCGACACCCCGATGCCCACGACGCTCCGGAGCTGG-3'
Protein context (NP_037408.2, residues 89-109): VSGQMHGVVF[Trp99Cys]KTGQGCEWTE

ClinVar aggregate classification (germline): Uncertain significance (1 of 4 stars; one submission).

Submission:

Labcorp Genetics (formerly Invitae), Labcorp
Classification: Uncertain significance. Last evaluated: 2024-03-28. Review status: criteria provided, single submitter. Criteria: Invitae Variant Classification Sherloc (09022015). Collection method: clinical testing. Allele origin: germline.
Comment: This sequence change replaces tryptophan, which is neutral and slightly polar, with cysteine, which is neutral and slightly polar, at codon 99 of the SHPK protein (p.Trp99Cys). This variant is not present in population databases (gnomAD no frequency). This variant has not been reported in the literature in individuals affected with SHPK-related conditions. An algorithm developed to predict the effect of missense changes on protein structure and function (PolyPhen-2) suggests that this variant is likely to be disruptive. In summary, the available evidence is currently insufficient to determine the role of this variant in disease. Therefore, it has been classified as a Variant of Uncertain Significance.